The following is an entry in ClinVar:

ClinVar aggregate classification (germline): Uncertain significance (1 of 4 stars; one submission).

Conditions:
BBIP1-related disorder. Also called: BBIP1-related condition.

gnomAD v4.1: 10 of 702,420 alleles (0.0014%); highest among the groups gnomAD compares: African/African-American, 0.007%; no homozygotes.

Submission:

PreventionGenetics, part of Exact Sciences
Classification: Uncertain significance for BBIP1-related condition. Last evaluated: 2026-09-18. Review status: criteria provided, single submitter. Criteria: ACMG Guidelines, 2015. Collection method: clinical testing. Allele origin: germline.
Comment: The BBIP1 c.111G>C variant is predicted to result in the amino acid substitution p.Leu37Phe. To our knowledge, this variant has not been reported in the literature. This variant is reported in 0.0065% of alleles in individuals of European (Non-Finnish) descent in gnomAD. At this time, the clinical significance of this variant is uncertain due to the absence of conclusive functional and genetic evidence.

NM_001195305.3(BBIP1):c.38-6151G>C

Gene: BBIP1 (BBSome interacting protein 1; minus strand). Cytogenetic location: 10q25.2.
Variant type: single nucleotide variant.
Coding change: c.38-6151G>C on transcript NM_001195305.3 (MANE Select); 6151 bases into the intron before coding-DNA position 38, G replaced by C.
Molecular consequence: intron variant. On other transcripts: missense variant (1).
Genome position (GRCh38, 1-based): chr10:110,907,763, C>G on the plus strand (G>C on the coding strand, the complement: BBIP1 is on the minus strand). VCF-style: chr10-110907763-C-G. GRCh37 (hg19) VCF-style: chr10-112667521-C-G.
Other names: c.111G>C, p.Leu37Phe (NM_001195304.2); c.38-6151G>C (NM_001195306.2); c.-29-6151G>C (NM_001243783.3); c.38-7237G>C (NM_001195307.2); short protein forms L37F.
Identifiers: ClinVar variation 4980911 (VCV004980911.1).